The following continues an entry in ClinVar:

NM_004960.4(FUS):c.153C>T (p.Gly51=)

Gene: FUS. ClinVar aggregate classification (germline): Benign. Benign (6).

Submissions 30 to 65 of 89:

Dr. Peter K. Rogan Lab, Western University
No classification provided (evidence only). Condition: Acute myeloid leukemia. Review status: no classification provided. Collection method: in vitro. Allele origin: not applicable. Functional consequence: retained intron. Not counted in ClinVar's aggregate classification.

Dr. Peter K. Rogan Lab, Western University
No classification provided (evidence only). Condition: Acute myeloid leukemia. Review status: no classification provided. Collection method: in vitro. Allele origin: not applicable. Functional consequence: retained intron. Not counted in ClinVar's aggregate classification.

Dr. Peter K. Rogan Lab, Western University
No classification provided (evidence only). Condition: Colon adenocarcinoma. Review status: no classification provided. Collection method: in vitro. Allele origin: not applicable. Functional consequence: retained intron. Not counted in ClinVar's aggregate classification.

Dr. Peter K. Rogan Lab, Western University
No classification provided (evidence only). Condition: Colon adenocarcinoma. Review status: no classification provided. Collection method: in vitro. Allele origin: not applicable. Functional consequence: retained intron. Not counted in ClinVar's aggregate classification.

Dr. Peter K. Rogan Lab, Western University
No classification provided (evidence only). Condition: Thyroid cancer, nonmedullary, 1. Review status: no classification provided. Collection method: in vitro. Allele origin: not applicable. Functional consequence: retained intron. Not counted in ClinVar's aggregate classification.

Dr. Peter K. Rogan Lab, Western University
No classification provided (evidence only). Condition: Thyroid cancer, nonmedullary, 1. Review status: no classification provided. Collection method: in vitro. Allele origin: not applicable. Functional consequence: retained intron. Not counted in ClinVar's aggregate classification.

Dr. Peter K. Rogan Lab, Western University
No classification provided (evidence only). Condition: Thyroid cancer, nonmedullary, 1. Review status: no classification provided. Collection method: in vitro. Allele origin: not applicable. Functional consequence: retained intron. Not counted in ClinVar's aggregate classification.

Dr. Peter K. Rogan Lab, Western University
No classification provided (evidence only). Condition: Thyroid cancer, nonmedullary, 1. Review status: no classification provided. Collection method: in vitro. Allele origin: not applicable. Functional consequence: retained intron. Not counted in ClinVar's aggregate classification.

Dr. Peter K. Rogan Lab, Western University
No classification provided (evidence only). Condition: Thyroid cancer, nonmedullary, 1. Review status: no classification provided. Collection method: in vitro. Allele origin: not applicable. Functional consequence: retained intron. Not counted in ClinVar's aggregate classification.

Dr. Peter K. Rogan Lab, Western University
No classification provided (evidence only). Condition: Thyroid cancer, nonmedullary, 1. Review status: no classification provided. Collection method: in vitro. Allele origin: not applicable. Functional consequence: retained intron. Not counted in ClinVar's aggregate classification.

Dr. Peter K. Rogan Lab, Western University
No classification provided (evidence only). Condition: Thyroid cancer, nonmedullary, 1. Review status: no classification provided. Collection method: in vitro. Allele origin: not applicable. Functional consequence: retained intron. Not counted in ClinVar's aggregate classification.

Dr. Peter K. Rogan Lab, Western University
No classification provided (evidence only). Condition: Thyroid cancer, nonmedullary, 1. Review status: no classification provided. Collection method: in vitro. Allele origin: not applicable. Functional consequence: retained intron. Not counted in ClinVar's aggregate classification.

Dr. Peter K. Rogan Lab, Western University
No classification provided (evidence only). Condition: Uterine corpus endometrial carcinoma. Review status: no classification provided. Collection method: in vitro. Allele origin: not applicable. Functional consequence: retained intron. Not counted in ClinVar's aggregate classification.

Dr. Peter K. Rogan Lab, Western University
No classification provided (evidence only). Condition: Uterine corpus endometrial carcinoma. Review status: no classification provided. Collection method: in vitro. Allele origin: not applicable. Functional consequence: retained intron. Not counted in ClinVar's aggregate classification.

Dr. Peter K. Rogan Lab, Western University
No classification provided (evidence only). Condition: Uterine corpus endometrial carcinoma. Review status: no classification provided. Collection method: in vitro. Allele origin: not applicable. Functional consequence: retained intron. Not counted in ClinVar's aggregate classification.

Dr. Peter K. Rogan Lab, Western University
No classification provided (evidence only). Condition: Uterine corpus endometrial carcinoma. Review status: no classification provided. Collection method: in vitro. Allele origin: not applicable. Functional consequence: retained intron. Not counted in ClinVar's aggregate classification.

Dr. Peter K. Rogan Lab, Western University
No classification provided (evidence only). Condition: Uterine corpus endometrial carcinoma. Review status: no classification provided. Collection method: in vitro. Allele origin: not applicable. Functional consequence: retained intron. Not counted in ClinVar's aggregate classification.

Dr. Peter K. Rogan Lab, Western University
No classification provided (evidence only). Condition: Uterine corpus endometrial carcinoma. Review status: no classification provided. Collection method: in vitro. Allele origin: not applicable. Functional consequence: retained intron. Not counted in ClinVar's aggregate classification.

Dr. Peter K. Rogan Lab, Western University
No classification provided (evidence only). Condition: Uterine corpus endometrial carcinoma. Review status: no classification provided. Collection method: in vitro. Allele origin: not applicable. Functional consequence: retained intron. Not counted in ClinVar's aggregate classification.

Dr. Peter K. Rogan Lab, Western University
No classification provided (evidence only). Condition: Uterine corpus endometrial carcinoma. Review status: no classification provided. Collection method: in vitro. Allele origin: not applicable. Functional consequence: retained intron. Not counted in ClinVar's aggregate classification.

Dr. Peter K. Rogan Lab, Western University
No classification provided (evidence only). Condition: Uterine corpus endometrial carcinoma. Review status: no classification provided. Collection method: in vitro. Allele origin: not applicable. Functional consequence: retained intron. Not counted in ClinVar's aggregate classification.

Dr. Peter K. Rogan Lab, Western University
No classification provided (evidence only). Condition: Uterine corpus endometrial carcinoma. Review status: no classification provided. Collection method: in vitro. Allele origin: not applicable. Functional consequence: retained intron. Not counted in ClinVar's aggregate classification.

Dr. Peter K. Rogan Lab, Western University
No classification provided (evidence only). Condition: Uterine corpus endometrial carcinoma. Review status: no classification provided. Collection method: in vitro. Allele origin: not applicable. Functional consequence: retained intron. Not counted in ClinVar's aggregate classification.

Dr. Peter K. Rogan Lab, Western University
No classification provided (evidence only). Condition: Uterine corpus endometrial carcinoma. Review status: no classification provided. Collection method: in vitro. Allele origin: not applicable. Functional consequence: retained intron. Not counted in ClinVar's aggregate classification.

Dr. Peter K. Rogan Lab, Western University
No classification provided (evidence only). Condition: Uterine corpus endometrial carcinoma. Review status: no classification provided. Collection method: in vitro. Allele origin: not applicable. Functional consequence: skipped exon, retained intron. Not counted in ClinVar's aggregate classification.

Dr. Peter K. Rogan Lab, Western University
No classification provided (evidence only). Condition: Cervical cancer. Review status: no classification provided. Collection method: in vitro. Allele origin: not applicable. Functional consequence: retained intron. Not counted in ClinVar's aggregate classification.

Dr. Peter K. Rogan Lab, Western University
No classification provided (evidence only). Condition: Cervical cancer. Review status: no classification provided. Collection method: in vitro. Allele origin: not applicable. Functional consequence: retained intron. Not counted in ClinVar's aggregate classification.

Dr. Peter K. Rogan Lab, Western University
No classification provided (evidence only). Condition: Cervical cancer. Review status: no classification provided. Collection method: in vitro. Allele origin: not applicable. Functional consequence: retained intron. Not counted in ClinVar's aggregate classification.

Dr. Peter K. Rogan Lab, Western University
No classification provided (evidence only). Condition: Cervical cancer. Review status: no classification provided. Collection method: in vitro. Allele origin: not applicable. Functional consequence: skipped exon, retained intron. Not counted in ClinVar's aggregate classification.

Dr. Peter K. Rogan Lab, Western University
No classification provided (evidence only). Condition: Cervical cancer. Review status: no classification provided. Collection method: in vitro. Allele origin: not applicable. Functional consequence: skipped exon, retained intron. Not counted in ClinVar's aggregate classification.

Dr. Peter K. Rogan Lab, Western University
No classification provided (evidence only). Condition: Cervical cancer. Review status: no classification provided. Collection method: in vitro. Allele origin: not applicable. Functional consequence: skipped exon, retained intron. Not counted in ClinVar's aggregate classification.

Dr. Peter K. Rogan Lab, Western University
No classification provided (evidence only). Condition: Cervical cancer. Review status: no classification provided. Collection method: in vitro. Allele origin: not applicable. Functional consequence: retained intron. Not counted in ClinVar's aggregate classification.

Dr. Peter K. Rogan Lab, Western University
No classification provided (evidence only). Condition: Cervical cancer. Review status: no classification provided. Collection method: in vitro. Allele origin: not applicable. Functional consequence: retained intron. Not counted in ClinVar's aggregate classification.

Dr. Peter K. Rogan Lab, Western University
No classification provided (evidence only). Condition: Sarcoma. Review status: no classification provided. Collection method: in vitro. Allele origin: not applicable. Functional consequence: retained intron. Not counted in ClinVar's aggregate classification.

Dr. Peter K. Rogan Lab, Western University
No classification provided (evidence only). Condition: Sarcoma. Review status: no classification provided. Collection method: in vitro. Allele origin: not applicable. Functional consequence: retained intron. Not counted in ClinVar's aggregate classification.

Dr. Peter K. Rogan Lab, Western University
No classification provided (evidence only). Condition: Sarcoma. Review status: no classification provided. Collection method: in vitro. Allele origin: not applicable. Functional consequence: retained intron. Not counted in ClinVar's aggregate classification.